The following is an entry in ClinVar:

NM_014806.5(RUSC2):c.3342-10C>T

Gene: RUSC2 (RUN and SH3 domain containing 2; plus strand). Cytogenetic location: 9p13.3.
Variant type: single nucleotide variant.
Coding change: c.3342-10C>T on transcript NM_014806.5 (MANE Select); 10 bases into the intron before coding-DNA position 3342, C replaced by T.
Molecular consequence: intron variant.
Genome position (GRCh38, 1-based): chr9:35,559,216, C>T. VCF-style: chr9-35559216-C-T. GRCh37 (hg19) VCF-style: chr9-35559213-C-T.
Other names: c.3342-10C>T (NM_001135999.1, NM_001135999.2); c.708-10C>T (NM_001330740.2).
Identifiers: ClinVar variation 1327977 (VCV001327977.14), dbSNP rs2295842, ClinGen allele CA5044134.

ClinVar aggregate classification (germline): Benign. Review status: criteria provided, multiple submitters, no conflicts (2 of 4 stars). 5 submissions from 5 submitters: Benign (4). 1 of the submissions does not count toward it. Last evaluated 2026-02-04.

Conditions:
RUSC2-related disorder. Also called: RUSC2-related condition.
Intellectual developmental disorder, autosomal recessive 61. Also called: MENTAL RETARDATION, AUTOSOMAL RECESSIVE 61; ALWADEI SYNDROME; Intellectual disability, autosomal recessive 61. Identifiers: MedGen C4540424, MONDO:0030915, OMIM 617773.

Allele frequency attached by ClinVar (database versions not stated): 1000 Genomes Project 30x 0.21877; ESP Exome Variant Server 0.17231; TOPMed 0.17737; gnomAD 0.17831 and 0.18227; gnomAD exomes 0.18993 and 0.19583; ExAC 0.19751; 1000 Genomes Project 0.21905.
gnomAD v4.1: 303,937 of 1,604,626 alleles (19%); highest among the groups gnomAD compares: East Asian, 33%; 30,086 homozygotes.

Submissions (5):

Labcorp Genetics (formerly Invitae), Labcorp
Classification: Benign. Last evaluated: 2026-02-04. Review status: criteria provided, single submitter. Criteria: Invitae Variant Classification Sherloc (09022015). Collection method: clinical testing. Allele origin: germline.

Blueprint Genetics
Classification: Benign. Last evaluated: 2024-11-27. Review status: criteria provided, single submitter. Criteria: ACMG Guidelines, 2015. Collection method: clinical testing. Allele origin: germline.

Genome-Nilou Lab
Classification: Benign for Intellectual developmental disorder, autosomal recessive 61. Last evaluated: 2021-11-07. Review status: criteria provided, single submitter. Criteria: ACMG Guidelines, 2015. Collection method: clinical testing. Allele origin: germline. Affected: no.

Breakthrough Genomics
Classification: Benign. Review status: criteria provided, single submitter. Criteria: ACMG Guidelines, 2015. Collection method: not provided. Allele origin: germline. Inheritance: Autosomal recessive inheritance. Affected: yes.

PreventionGenetics, part of Exact Sciences
Classification: Benign for RUSC2-related condition. Last evaluated: 2024-07-28. Review status: no assertion criteria provided. Collection method: clinical testing. Allele origin: germline. Not counted in ClinVar's aggregate classification.
Comment: This variant is classified as benign based on ACMG/AMP sequence variant interpretation guidelines (Richards et al. 2015 PMID: 25741868, with internal and published modifications).